The following is an entry in ClinVar:

NM_007294.4(BRCA1):c.348A>G (p.Glu116=)

Gene: BRCA1 (BRCA1 DNA repair associated; minus strand). Cytogenetic location: 17q21.31.
Variant type: single nucleotide variant.
Coding change: c.348A>G on transcript NM_007294.4 (MANE Select); coding-DNA position 348, A replaced by G.
Protein change: p.Glu116=; no amino-acid change (glutamic acid 116 retained).
Molecular consequence: synonymous variant. On other transcripts: 5 prime UTR variant (7), intron variant (2).
Genome position (GRCh38, 1-based): chr17:43,104,215, T>C on the plus strand (A>G on the coding strand, the complement: BRCA1 is on the minus strand). VCF-style: chr17-43104215-T-C. GRCh37 (hg19) VCF-style: chr17-41256232-T-C.
Other names: c.138A>G, p.Glu46= (NM_001407908.1, NM_001407909.1, NM_001407910.1 and 58 more transcripts); c.348A>G, p.Glu116= (NM_001407919.1, NM_001407937.1, NM_001407938.1 and 165 more transcripts); c.207A>G, p.Glu69= (NM_001407920.1, NM_001407921.1, NM_001407922.1 and 99 more transcripts); c.339A>G, p.Glu113= (NM_001407646.1, NM_001407647.1, NM_001408408.1); c.270A>G, p.Glu90= (NM_001407653.1, NM_001407654.1, NM_001407655.1 and 21 more transcripts); c.-34A>G (NM_001407959.1, NM_001407960.1, NM_001407962.1 and 4 more transcripts); c.216A>G, p.Glu72= (NM_001408451.1); c.-218-9355A>G (NM_001407967.1, NM_001407966.1).
Identifiers: ClinVar variation 2091648 (VCV002091648.7), dbSNP rs1453794570, ClinGen allele CA500126912.

ClinVar aggregate classification (germline): Likely benign. Review status: criteria provided, multiple submitters, no conflicts (2 of 4 stars). 3 submissions from 3 submitters: Likely benign (2). 1 of the submissions does not count toward it. Last evaluated 2024-12-02.

Conditions:
Hereditary cancer-predisposing syndrome. Also called: Tumor predisposition; Hereditary Cancer Syndrome; Hereditary neoplastic syndrome; Neoplastic Syndromes, Hereditary. Identifiers: Orphanet 140162, MedGen C0027672, MeSH D009386, MONDO:0015356.
BRCA1-related disorder. Also called: BRCA1-related condition.
Hereditary breast ovarian cancer syndrome. Also called: Hereditary breast and ovarian cancer syndrome; Breast and ovarian cancer; BRCA1- and BRCA2-Associated Hereditary Breast and Ovarian Cancer; Hereditary breast and ovarian cancer syndrome (HBOC); Hereditary breast and ovarian cancer; Hereditary breast and/or ovarian cancer syndrome. Identifiers: Orphanet 145, MedGen C0677776, MeSH D061325, MONDO:0003582. Disease mechanism: loss of function.

Allele frequency attached by ClinVar (database versions not stated): TOPMed 0.00001; gnomAD 0.00002.
gnomAD v4.1: 3 of 1,612,926 alleles (0.00019%); highest among the groups gnomAD compares: African/African-American, 0.004%; no homozygotes.

Submissions (3):

Labcorp Genetics (formerly Invitae), Labcorp
Classification: Likely benign for Hereditary breast ovarian cancer syndrome. Last evaluated: 2024-12-02. Review status: criteria provided, single submitter. Criteria: Invitae Variant Classification Sherloc (09022015). Collection method: clinical testing. Allele origin: germline.

Ambry Genetics
Classification: Likely benign for Hereditary cancer-predisposing syndrome. Last evaluated: 2023-12-01. Review status: criteria provided, single submitter. Criteria: Ambry Variant Classification Scheme 2023. Collection method: clinical testing. Allele origin: germline.

PreventionGenetics, part of Exact Sciences
Classification: Likely benign for BRCA1-related condition. Last evaluated: 2023-04-27. Review status: no assertion criteria provided. Collection method: clinical testing. Allele origin: germline. Not counted in ClinVar's aggregate classification.
Comment: This variant is classified as likely benign based on ACMG/AMP sequence variant interpretation guidelines (Richards et al. 2015 PMID: 25741868, with internal and published modifications).